The following is an entry in ClinVar:

ClinVar aggregate classification (germline): Uncertain significance. Review status: criteria provided, multiple submitters, no conflicts (2 of 4 stars). 2 submissions from 2 submitters: Uncertain significance (2). Last evaluated 2024-11-30.

Allele frequency attached by ClinVar (database versions not stated): gnomAD exomes below 0.00001; TOPMed below 0.00001.
gnomAD v4.1: 4 of 1,568,960 alleles (0.00025%); highest among the groups gnomAD compares: East Asian, 0.007%; no homozygotes.

Submissions (2):

Labcorp Genetics (formerly Invitae), Labcorp
Classification: Uncertain significance. Last evaluated: 2024-11-30. Review status: criteria provided, single submitter. Criteria: Invitae Variant Classification Sherloc (09022015). Collection method: clinical testing. Allele origin: germline.
Comment: This sequence change replaces glutamine, which is neutral and polar, with arginine, which is basic and polar, at codon 100 of the RASA2 protein (p.Gln100Arg). This variant is not present in population databases (gnomAD no frequency). This variant has not been reported in the literature in individuals affected with RASA2-related conditions. ClinVar contains an entry for this variant (Variation ID: 996238). Invitae Evidence Modeling of protein sequence and biophysical properties (such as structural, functional, and spatial information, amino acid conservation, physicochemical variation, residue mobility, and thermodynamic stability) indicates that this missense variant is not expected to disrupt RASA2 protein function with a negative predictive value of 80%. In summary, the available evidence is currently insufficient to determine the role of this variant in disease. Therefore, it has been classified as a Variant of Uncertain Significance.

Women's Health and Genetics/Laboratory Corporation of America, LabCorp
Classification: Uncertain significance. Last evaluated: 2021-01-21. Review status: criteria provided, single submitter. Criteria: LabCorp Variant Classification Summary - May 2015. Collection method: clinical testing. Allele origin: germline.
Comment: Variant summary: RASA2 c.299A>G (p.Gln100Arg) results in a conservative amino acid change located in the C2 domain (IPR000008) of the encoded protein sequence. Four of five in-silico tools predict a benign effect of the variant on protein function. The variant was absent in 228270 control chromosomes (gnomAD). The available data on variant occurrences in the general population are insufficient to allow any conclusion about variant significance. To our knowledge, no occurrence of c.299A>G in individuals affected with Noonan Syndrome and no experimental evidence demonstrating its impact on protein function have been reported. No clinical diagnostic laboratories have submitted clinical-significance assessments for this variant to ClinVar after 2014. Based on the evidence outlined above, the variant was classified as uncertain significance.

NM_006506.5(RASA2):c.299A>G (p.Gln100Arg)

Gene: RASA2 (RAS p21 protein activator 2; plus strand). Cytogenetic location: 3q23.
Variant type: single nucleotide variant.
Coding change: c.299A>G on transcript NM_006506.5 (MANE Select); coding-DNA position 299, A replaced by G.
Protein change: p.Gln100Arg; replaces glutamine 100 with arginine.
Molecular consequence: missense variant.
Genome position (GRCh38, 1-based): chr3:141,516,375, A>G. VCF-style: chr3-141516375-A-G. GRCh37 (hg19) VCF-style: chr3-141235217-A-G.
Other names: c.299A>G, p.Gln100Arg (NM_001303245.3, NM_001303246.3); short protein forms Q100R.
Identifiers: ClinVar variation 996238 (VCV000996238.4), dbSNP rs1235489668, ClinGen allele CA354780917.
Genomic context (GRCh38, chr3:141,516,375, plus strand): 5'-CTTTTCTTTCTAGCCCATTTTTCAGTGAAGAATTTTACTTTGAGATTCCAAGAACTTTCC[A>G]GTATTTGTCTTTCTATGTTTATGATAAGAATGTTTTACAAAGAGATCTCCGTATAGGTAT-3'
Protein context (NP_006497.2, residues 90-110): EFYFEIPRTF[Gln100Arg]YLSFYVYDKN